The following is an entry in ClinVar:

ClinVar aggregate classification (germline): Uncertain significance (1 of 4 stars; one submission).

Submission:

GeneDx
Classification: Uncertain significance. Last evaluated: 2019-12-23. Review status: criteria provided, single submitter. Criteria: GeneDx Variant Classification Process June 2021. Collection method: clinical testing. Allele origin: germline. Affected: yes.
Comment: Not observed in large population cohorts (Lek et al., 2016); In silico analysis, which includes protein predictors and evolutionary conservation, supports a deleterious effect; Has not been previously published as pathogenic or benign to our knowledge

NM_014991.6(WDFY3):c.163C>G (p.Leu55Val)

Gene: WDFY3 (WD repeat and FYVE domain containing 3; minus strand). Cytogenetic location: 4q21.23.
Variant type: single nucleotide variant.
Coding change: c.163C>G on transcript NM_014991.6 (MANE Select); coding-DNA position 163, C replaced by G.
Protein change: p.Leu55Val; replaces leucine 55 with valine.
Molecular consequence: missense variant.
Genome position (GRCh38, 1-based): chr4:84,860,429, G>C on the plus strand (C>G on the coding strand, the complement: WDFY3 is on the minus strand). VCF-style: chr4-84860429-G-C. GRCh37 (hg19) VCF-style: chr4-85781582-G-C.
Other names: short protein forms L55V.
Identifiers: ClinVar variation 1311454 (VCV001311454.2), dbSNP rs2150202385, ClinGen allele CA357555481.
Genomic context (GRCh38, chr4:84,860,429, plus strand): 5'-CCCCCCAGTCCCGGAAGGTGTGTGTCTGGCAACCTGGACTTACCCTGTTAAACACTGGCA[G>C]CATCATATACAGTTTCTCTTCTTGTTCCTTCTGAGTCATGTGCCGGGGAGGATGGCACAA-3'
Protein context (NP_055806.2, residues 45-65): KEQEEKLYMM[Leu55Val]PVFNRVFGNA